The following is an entry in ClinVar:

NM_001276270.2(MBD4):c.680A>G (p.Lys227Arg)

Gene: MBD4 (methyl-CpG binding domain 4, DNA glycosylase; minus strand). Cytogenetic location: 3q21.3.
Variant type: single nucleotide variant.
Coding change: c.680A>G on transcript NM_001276270.2 (MANE Select); coding-DNA position 680, A replaced by G.
Protein change: p.Lys227Arg; replaces lysine 227 with arginine.
Molecular consequence: missense variant. On other transcripts: intron variant (1).
Genome position (GRCh38, 1-based): chr3:129,436,964, T>C on the plus strand (A>G on the coding strand, the complement: MBD4 is on the minus strand). VCF-style: chr3-129436964-T-C. GRCh37 (hg19) VCF-style: chr3-129155807-T-C.
Other names: c.680A>G, p.Lys227Arg (NM_001276271.2, NM_001276272.2, NM_003925.3); c.247+844A>G (NM_001276273.2); short protein forms K227R.
Identifiers: ClinVar variation 3543771 (VCV003543771.3).

ClinVar aggregate classification (germline): Uncertain significance. Review status: criteria provided, multiple submitters, no conflicts (2 of 4 stars). 2 submissions from 2 submitters: Uncertain significance (2). Last evaluated 2025-05-05.

Conditions:
Inborn genetic diseases. Identifiers: MedGen C0950123, MeSH D030342.

gnomAD v4.1: 17 of 1,614,222 alleles (0.0011%); highest among the groups gnomAD compares: East Asian, 0.038%; no homozygotes.

Submissions (2):

Labcorp Genetics (formerly Invitae), Labcorp
Classification: Uncertain significance. Last evaluated: 2025-05-05. Review status: criteria provided, single submitter. Criteria: Invitae Variant Classification Sherloc (09022015). Collection method: clinical testing. Allele origin: germline.
Comment: This sequence change replaces lysine, which is basic and polar, with arginine, which is basic and polar, at codon 227 of the MBD4 protein (p.Lys227Arg). This variant is not present in population databases (gnomAD no frequency). This missense change has been observed in individual(s) with pancreatic cancer (PMID: 36896836). ClinVar contains an entry for this variant (Variation ID: 3543771). An algorithm developed to predict the effect of missense changes on protein structure and function (PolyPhen-2) suggests that this variant is likely to be disruptive. In summary, the available evidence is currently insufficient to determine the role of this variant in disease. Therefore, it has been classified as a Variant of Uncertain Significance.

Ambry Genetics
Classification: Uncertain significance for Inborn genetic diseases. Last evaluated: 2024-11-25. Review status: criteria provided, single submitter. Criteria: Ambry Variant Classification Scheme 2023. Collection method: clinical testing. Allele origin: germline.
Comment: The p.K227R variant (also known as c.680A>G), located in coding exon 3 of the MBD4 gene, results from an A to G substitution at nucleotide position 680. The lysine at codon 227 is replaced by arginine, an amino acid with highly similar properties. This amino acid position is conserved. In addition, this alteration is predicted to be tolerated by in silico analysis. Based on the available evidence, the clinical significance of this variant remains unclear.

Literature cited by the submitters: PubMed 36896836 (cited by Labcorp Genetics (formerly Invitae), Labcorp).